The following is an entry in ClinVar:

NM_002858.4(ABCD3):c.684+3G>C

Gene: ABCD3 (ATP binding cassette subfamily D member 3; plus strand). Cytogenetic location: 1p21.3.
Variant type: single nucleotide variant.
Coding change: c.684+3G>C on transcript NM_002858.4 (MANE Select); 3 bases into the intron after coding-DNA position 684, G replaced by C.
Molecular consequence: intron variant.
Genome position (GRCh38, 1-based): chr1:94,478,318, G>C. VCF-style: chr1-94478318-G-C. GRCh37 (hg19) VCF-style: chr1-94943874-G-C.
Other names: c.684+3G>C (NM_001122674.2).
Identifiers: ClinVar variation 1373233 (VCV001373233.6), dbSNP rs368906775, ClinGen allele CA960179.

ClinVar aggregate classification (germline): Uncertain significance (1 of 4 stars; one submission).

Allele frequency attached by ClinVar (database versions not stated): gnomAD exomes 0.00008 and 0.00018.
gnomAD v4.1: 150 of 1,598,244 alleles (0.0094%); highest among the groups gnomAD compares: Middle Eastern, 0.055%; 1 homozygote.

Submission:

Labcorp Genetics (formerly Invitae), Labcorp
Classification: Uncertain significance. Last evaluated: 2025-06-09. Review status: criteria provided, single submitter. Criteria: Invitae Variant Classification Sherloc (09022015). Collection method: clinical testing. Allele origin: germline.
Comment: This sequence change falls in intron 8 of the ABCD3 gene. It does not directly change the encoded amino acid sequence of the ABCD3 protein. It affects a nucleotide within the consensus splice site. This variant is present in population databases (rs368906775, gnomAD 0.03%). This variant has not been reported in the literature in individuals affected with ABCD3-related conditions. ClinVar contains an entry for this variant (Variation ID: 1373233). Variants that disrupt the consensus splice site are a relatively common cause of aberrant splicing (PMID: 17576681, 9536098). Algorithms developed to predict the effect of sequence changes on RNA splicing suggest that this variant may disrupt the consensus splice site. In summary, the available evidence is currently insufficient to determine the role of this variant in disease. Therefore, it has been classified as a Variant of Uncertain Significance.

Literature cited by the submitters: PubMed 17576681; PubMed 9536098.